The following is an entry in ClinVar:

ClinVar aggregate classification (germline): Pathogenic (1 of 4 stars; one submission).

Conditions:
Asphyxiating thoracic dystrophy 3. Also called: SHORT-RIB THORACIC DYSPLASIA 3 WITH OR WITHOUT POLYDACTYLY; POLYDACTYLY WITH NEONATAL CHONDRODYSTROPHY, TYPE I; Short rib polydactyly syndrome 2B; Saldino-Noonan Syndrome; SHORT-RIB THORACIC DYSPLASIA 3/6 WITH POLYDACTYLY, DIGENIC. Identifiers: Orphanet 474, Orphanet 93269, Orphanet 93270, Orphanet 93271, MedGen C0036069, MONDO:0013127, OMIM 613091.

gnomAD v4.1: 3 of 1,611,710 alleles (0.00019%); highest among the groups gnomAD compares: Non-Finnish European, 0.00025%; no homozygotes.

Submission:

Variantyx, Inc.
Classification: Pathogenic for Asphyxiating thoracic dystrophy 3. Last evaluated: 2025-04-10. Review status: criteria provided, single submitter. Criteria: Variantyx Assertion Criteria 2022. Collection method: clinical testing. Allele origin: germline. Inheritance: Autosomal recessive inheritance. Affected: yes.
Comment: This is a nonsense variant in the DYNC2H1 gene (OMIM: 603297). Pathogenic variants in this gene have been associated with autosomal recessive short-rib thoracic dysplasia 3 with or without polydactyly. This variant introduces a premature termination codon in exon 38 out of 89 and is expected to result in loss of function, which is a known disease mechanism for DYNC2H1 in this disorder (PMID:23339108;19361615;19442771;23339108) (PVS1). This variant has a 0.0003% maximum allele frequency in non-founder control populations (PM2). The clinical symptoms reported for this fetus are highly specific for autosomal recessive short-rib thoracic dysplasia 3 with or without polydactyly, which has a limited genetic etiology (PP4). Based on the current evidence, this variant is classified as pathogenic for autosomal recessive short-rib thoracic dysplasia 3 with or without polydactyly.

Literature cited by the submitters: PubMed 23339108; PubMed 19361615; PubMed 19442771.

NM_001377.3(DYNC2H1):c.6118C>T (p.Gln2040Ter)

Gene: DYNC2H1 (dynein cytoplasmic 2 heavy chain 1; plus strand). Cytogenetic location: 11q22.3.
Variant type: single nucleotide variant.
Coding change: c.6118C>T on transcript NM_001377.3 (MANE Select); coding-DNA position 6118, C replaced by T.
Protein change: p.Gln2040Ter; replaces glutamine 2040 with a stop codon.
Molecular consequence: nonsense.
Genome position (GRCh38, 1-based): chr11:103,177,799, C>T. VCF-style: chr11-103177799-C-T. GRCh37 (hg19) VCF-style: chr11-103048528-C-T.
Other names: c.6118C>T, p.Gln2040Ter (NM_001080463.2); short protein forms Q2040*.
Identifiers: ClinVar variation 4850155 (VCV004850155.1).
Genomic context (GRCh38, chr11:103,177,799, plus strand): 5'-GGCCATATTGACATGGACACAAGAGAATGGTCTGATGGTGTTTTGACAAATAGTGCTCGT[C>T]AAGTGGTTCGGGAACCTCAAGGTTAGTCTCTATGTATACTTCTTTGCTTTACTTAGTAAT-3'